The following is an entry in ClinVar:

ClinVar aggregate classification (germline): Likely benign (0 of 4 stars; one submission).

Conditions:
SEMA3D-related disorder. Also called: SEMA3D-related condition.

gnomAD v4.1: 23 of 1,613,928 alleles (0.0014%); highest among the groups gnomAD compares: Middle Eastern, 0.033%; no homozygotes.

Submission:

PreventionGenetics, part of Exact Sciences
Classification: Likely benign for SEMA3D-related condition. Last evaluated: 2023-01-24. Review status: no assertion criteria provided. Collection method: clinical testing. Allele origin: germline.
Comment: This variant is classified as likely benign based on ACMG/AMP sequence variant interpretation guidelines (Richards et al. 2015 PMID: 25741868, with internal and published modifications).

NM_001384900.1(SEMA3D):c.2292T>C (p.His764=)

Genes: SEMA3D (semaphorin 3D; minus strand), LOC126860094 (BRD4-independent group 4 enhancer GRCh37_chr7:84628763-84629962; plus strand). Cytogenetic location: 7q21.11.
Variant type: single nucleotide variant.
Coding change: c.2292T>C on transcript NM_001384900.1 (MANE Select); coding-DNA position 2292, T replaced by C.
Protein change: p.His764=; no amino-acid change (histidine 764 retained).
Molecular consequence: synonymous variant.
Genome position (GRCh38, 1-based): chr7:84,999,482, A>G on the plus strand (T>C on the coding strand, the complement: SEMA3D is on the minus strand). VCF-style: chr7-84999482-A-G. GRCh37 (hg19) VCF-style: chr7-84628798-A-G.
Other names: c.2292T>C, p.His764= (NM_001384901.1, NM_001384902.1, NM_001384903.1 and 1 more transcripts).
Identifiers: ClinVar variation 3354258 (VCV003354258.1).